The following is an entry in ClinVar:

NM_001366385.1(CARD14):c.1679G>A (p.Arg560Lys)

Gene: CARD14 (caspase recruitment domain family member 14; plus strand). Cytogenetic location: 17q25.3.
Variant type: single nucleotide variant.
Coding change: c.1679G>A on transcript NM_001366385.1 (MANE Select); coding-DNA position 1679, G replaced by A.
Protein change: p.Arg560Lys; replaces arginine 560 with lysine.
Molecular consequence: missense variant. On other transcripts: non-coding transcript variant (1).
Genome position (GRCh38, 1-based): chr17:80,198,419, G>A. VCF-style: chr17-80198419-G-A. GRCh37 (hg19) VCF-style: chr17-78172218-G-A.
Other names: c.1679G>A, p.Arg560Lys (NM_001257970.1, NM_024110.4); c.968G>A, p.Arg323Lys (NM_052819.3); short protein forms R323K, R560K.
Identifiers: ClinVar variation 2261227 (VCV002261227.5), dbSNP rs748588108, ClinGen allele CA8816951.

ClinVar aggregate classification (germline): Uncertain significance. Review status: criteria provided, multiple submitters, no conflicts (2 of 4 stars). 2 submissions from 2 submitters: Uncertain significance (2). Last evaluated 2022-12-04.

Conditions:
Inborn genetic diseases. Identifiers: MedGen C0950123, MeSH D030342.
Pityriasis rubra pilaris (PRP). Also called: Pityriasis rubra pilaris--familial type. Identifiers: Orphanet 2897, MedGen C0032027, MONDO:0100017, OMIM 173200, MONDO:0008251.
Psoriasis 2. Identifiers: MedGen C1864497, MONDO:0011269, OMIM 602723.

Allele frequency attached by ClinVar (database versions not stated): gnomAD 0.00001; gnomAD exomes 0.00003; ExAC 0.00004.
gnomAD v4.1: 36 of 1,606,130 alleles (0.0022%); highest among the groups gnomAD compares: South Asian, 0.04%; no homozygotes.

Submissions (2):

Labcorp Genetics (formerly Invitae), Labcorp
Classification: Uncertain significance for Pityriasis rubra pilaris; Psoriasis 2. Last evaluated: 2022-12-04. Review status: criteria provided, single submitter. Criteria: Invitae Variant Classification Sherloc (09022015). Collection method: clinical testing. Allele origin: germline.
Comment: Advanced modeling of protein sequence and biophysical properties (such as structural, functional, and spatial information, amino acid conservation, physicochemical variation, residue mobility, and thermodynamic stability) performed at Invitae indicates that this missense variant is expected to disrupt CARD14 protein function. This variant has not been reported in the literature in individuals affected with CARD14-related conditions. In summary, the available evidence is currently insufficient to determine the role of this variant in disease. Therefore, it has been classified as a Variant of Uncertain Significance. This variant is present in population databases (rs748588108, gnomAD 0.03%). This sequence change replaces arginine, which is basic and polar, with lysine, which is basic and polar, at codon 560 of the CARD14 protein (p.Arg560Lys).

Ambry Genetics
Classification: Uncertain significance for Inborn genetic diseases. Last evaluated: 2021-11-15. Review status: criteria provided, single submitter. Criteria: Ambry Variant Classification Scheme 2023. Collection method: clinical testing. Allele origin: germline.